The following is an entry in ClinVar:

ClinVar aggregate classification (germline): Uncertain significance. Review status: criteria provided, multiple submitters, no conflicts (2 of 4 stars). 4 submissions from 4 submitters: Uncertain significance (4). Last evaluated 2025-08-02.

Conditions:
Hereditary cancer-predisposing syndrome. Also called: Hereditary neoplastic syndrome; Neoplastic Syndromes, Hereditary; Hereditary Cancer Syndrome; Tumor predisposition. Identifiers: Orphanet 140162, MedGen C0027672, MeSH D009386, MONDO:0015356.
Nijmegen breakage syndrome-like disorder (NBSLD). Also called: MICROCEPHALY AND SPONTANEOUS CHROMOSOME INSTABILITY WITHOUT IMMUNODEFICIENCY; NBS-LIKE DISORDER; RAD50 DEFICIENCY. Identifiers: Orphanet 240760, MedGen C2751318, MONDO:0013118, OMIM 613078.

Allele frequency attached by ClinVar (database versions not stated): gnomAD 0.00002; TOPMed 0.00002; gnomAD exomes 0.00003 and 0.00006; ExAC 0.00011.
gnomAD v4.1: 47 of 1,610,826 alleles (0.0029%); highest among the groups gnomAD compares: African/African-American, 0.004%; no homozygotes.

Submissions (4):

Labcorp Genetics (formerly Invitae), Labcorp
Classification: Uncertain significance for Hereditary cancer-predisposing syndrome. Last evaluated: 2025-08-02. Review status: criteria provided, single submitter. Criteria: Invitae Variant Classification Sherloc (09022015). Collection method: clinical testing. Allele origin: germline.
Comment: This sequence change replaces arginine, which is basic and polar, with histidine, which is basic and polar, at codon 1156 of the RAD50 protein (p.Arg1156His). This variant is present in population databases (rs587780156, gnomAD 0.01%). This variant has not been reported in the literature in individuals affected with RAD50-related conditions. ClinVar contains an entry for this variant (Variation ID: 128020). Invitae Evidence Modeling of protein sequence and biophysical properties (such as structural, functional, and spatial information, amino acid conservation, physicochemical variation, residue mobility, and thermodynamic stability) indicates that this missense variant is expected to disrupt RAD50 protein function with a positive predictive value of 80%. In summary, the available evidence is currently insufficient to determine the role of this variant in disease. Therefore, it has been classified as a Variant of Uncertain Significance.

Ambry Genetics
Classification: Uncertain significance for Hereditary cancer-predisposing syndrome. Last evaluated: 2023-12-01. Review status: criteria provided, single submitter. Criteria: Ambry Variant Classification Scheme 2023. Collection method: clinical testing. Allele origin: germline.
Comment: The p.R1156H variant (also known as c.3467G>A), located in coding exon 22 of the RAD50 gene, results from a G to A substitution at nucleotide position 3467. The arginine at codon 1156 is replaced by histidine, an amino acid with highly similar properties. This amino acid position is highly conserved in available vertebrate species. In addition, this alteration is predicted to be deleterious by in silico analysis. Since supporting evidence is limited at this time, the clinical significance of this alteration remains unclear.

Fulgent Genetics
Classification: Uncertain significance for Nijmegen breakage syndrome-like disorder. Last evaluated: 2018-10-31. Review status: criteria provided, single submitter. Criteria: ACMG Guidelines, 2015. Collection method: clinical testing. Allele origin: unknown.

GeneDx
Classification: Uncertain significance. Last evaluated: 2014-01-03. Review status: criteria provided, single submitter. Criteria: GeneDx Variant Classification (06012015). Collection method: clinical testing. Allele origin: germline. Affected: yes.
Comment: RAD50 has been only recently described in association with cancer predisposition and the risks are not well understood. This variant is denoted RAD50 c.3467G>A at the cDNA level, p.Arg1156His (R1156H) at the protein level, and results in the change of an Arginine to a Histidine (CGT>CAT). This variant has not, to our knowledge, been published in the literature as pathogenic or benign. RAD50 Arg1156His was not observed in approximately 6,500 individuals of European and African American ancestry in the NHLBI Exome Sequencing Project, indicating it is not a common benign variant in these populations. This variant is a conservative substitution of one positive polar amino acid for another, altering a position that is well conserved throughout evolution and is not located in a known functional domain (UniProt). Multiple in silico algorithms predict that this variant may be damaging to protein structure and function. On a molecular level, the impact of this missense variant on protein structure and function is not known and thus we consider this to be a variant of uncertain significance. Furthermore, based on the currently available information, cancer risks associated with this variant, and the RAD50 gene, remain unclear.

NM_005732.4(RAD50):c.3467G>A (p.Arg1156His)

Genes: TH2-LCR (Th2 cytokine locus control region; plus strand), RAD50 (RAD50 double strand break repair protein; plus strand), TH2LCRR (T helper type 2 locus control region associated RNA; minus strand). Cytogenetic location: 5q31.1.
Variant type: single nucleotide variant.
Coding change: c.3467G>A on transcript NM_005732.4 (MANE Select); coding-DNA position 3467, G replaced by A.
Protein change: p.Arg1156His; replaces arginine 1156 with histidine.
Molecular consequence: missense variant.
Genome position (GRCh38, 1-based): chr5:132,637,192, G>A. VCF-style: chr5-132637192-G-A. GRCh37 (hg19) VCF-style: chr5-131972884-G-A.
Other names: p.R1156H:CGT>CAT; short protein forms R1156H.
Identifiers: ClinVar variation 128020 (VCV000128020.16), dbSNP rs587780156, ClinGen allele CA288209.
Genomic context (GRCh38, chr5:132,637,192, plus strand): 5'-ACAGTATGAAAATGGAAGAAATCAATAAAATTATACGTGACCTGTGGCGAAGTACCTATC[G>A]TGGACAAGGTGAGTACCATGGTGTATCACAAATGCTCTTTCCAAAGCCCTCTCCGCAGCT-3'
Protein context (NP_005723.2, residues 1146-1166): IIRDLWRSTY[Arg1156His]GQDIEYIEIR